The following is an entry in ClinVar:

ClinVar aggregate classification (germline): Uncertain significance (1 of 4 stars; one submission).

Submission:

Clinical Genomics Laboratory, Laboratory for Precision Diagnostics, University of Washington
Classification: Uncertain significance. Last evaluated: 2024-10-27. Review status: criteria provided, single submitter. Criteria: ACMG/ClinGen CNV Guidelines, 2019. Collection method: clinical testing. Allele origin: unknown. Affected: yes. Observed: 1 variant allele.

GRCh38/hg38 7q34(chr7:141905284-142344229)x1

Genes: CLEC5A (C-type lectin domain containing 5A; minus strand), MGAM (maltase-glucoamylase; plus strand), MGAM2 (maltase-glucoamylase 2 (putative); plus strand), OR9A4 (olfactory receptor family 9 subfamily A member 4; plus strand), PRSS58 (serine protease 58; minus strand) and 12 more. Cytogenetic location: 7q34.
Variant type: copy number loss.
Change: copy number 1 (one copy instead of two) of chr7:141,905,284-142,344,229 (438.9 kb, GRCh38 coordinates, 1-based), cytogenetic band 7q34.
Identifiers: ClinVar variation 4974721 (VCV004974721.1).